The following is an entry in ClinVar:

ClinVar aggregate classification (germline): Conflicting classifications of pathogenicity. Review status: criteria provided, conflicting classifications (1 of 4 stars). 11 submissions from 11 submitters: Pathogenic (4); Likely pathogenic (5); Uncertain significance (1). 1 of the submissions does not count toward it. Last evaluated 2025-03-22.

Conditions:
PKD1-Biallelic Autosomal Recessive Polycystic Kidney Disease.
PKD1-related disorder. Also called: PKD1-related condition.
Polycystic kidney disease, adult type (PKD1). Also called: POLYCYSTIC KIDNEY DISEASE, ADULT, TYPE I; Polycystic Kidney Disease 1, Autosomal Dominant; Polycystic kidney disease 1; Polycystic kidney disease 1, severe; Polycystic Kidney, Autosomal Dominant; POLYCYSTIC KIDNEY DISEASE 1 WITH OR WITHOUT POLYCYSTIC LIVER DISEASE. Identifiers: MedGen C3149841, MONDO:0008263, OMIM 173900.
Polycystic kidney disease. Also called: Kidney, Polycystic; Polycystic kidney dysplasia. Identifiers: MedGen C0022680, MeSH D007690, MONDO:0020642, HP:0000113.

Submissions (11):

PreventionGenetics, part of Exact Sciences
Classification: Pathogenic for PKD1-related condition. Last evaluated: 2025-03-22. Review status: criteria provided, single submitter. Criteria: ACMG Guidelines, 2015. Collection method: clinical testing. Allele origin: germline.
Comment: The PKD1 c.9404C>T variant is predicted to result in the amino acid substitution p.Thr3135Met. This variant has been repeatedly reported in individuals with autosomal dominant polycystic kidney disease (ADPKD) (Bataille et al. 2011. PubMed ID: 22008521; Table S2, Kurashige et al. 2015. PubMed ID: 24611717; Table S6C, Kim et al 2019. PubMed ID: 31740684; Supplementary Table 2, Pandita et al 2019. PubMed ID: 30816285; Topak et al. 2023. PubMed ID: 37078890; Table S3, Bleyer et al. 2022. PubMed ID: 35325889). Of note, a different change at the same codon, defined as c.9403A>G (p.Thr3135Ala), has been reported as “likely pathogenic” for ADPKD (Suppl. Table S5, Carrera et al. 2016. PubMed ID: 27499327). The c.9404C>T (p.Thr3135Met) variant has not been reported in a large population database (gnomAD), indicating this variant is rare. This variant is interpreted as pathogenic.

Women's Health and Genetics/Laboratory Corporation of America, LabCorp
Classification: Pathogenic for PKD1-Biallelic Autosomal Recessive Polycystic Kidney Disease. Last evaluated: 2025-03-14. Review status: criteria provided, single submitter. Criteria: LabCorp Variant Classification Summary - May 2015. Collection method: clinical testing. Allele origin: germline.
Comment: Variant summary: PKD1 c.9404C>T (p.Thr3135Met) results in a non-conservative amino acid change in the encoded protein sequence. Five of five in-silico tools predict a damaging effect of the variant on protein function. The variant was absent in 246212 control chromosomes (gnomAD). c.9404C>T has been reported in the literature in multiple individuals affected with Autosomal Dominant polycystic kidney disease (Kurashige_2015, Kim_2019, Pandita_2019, Yu_2022, Topak_2023). These data indicate that the variant is very likely to be associated with disease. To our knowledge, no experimental evidence demonstrating an impact on protein function has been reported. The following publications have been ascertained in the context of this evaluation (PMID: 31740684, 24611717, 30816285, 37078890, 38527221, 35778421). ClinVar contains an entry for this variant (Variation ID: 448027). Based on the evidence outlined above, the variant was classified as pathogenic.

Human Genetics Bochum, Ruhr University Bochum
Classification: Likely pathogenic for Polycystic kidney disease, adult type. Last evaluated: 2024-07-08. Review status: criteria provided, single submitter. Criteria: ACMG Guidelines, 2015. Collection method: clinical testing. Allele origin: germline. Affected: yes.
Comment: ACMG criteria used to clasify this variant: PM1, PP3_MOD, PM2_SUP, PM5_SUP

3billion
Classification: Likely pathogenic for Polycystic kidney disease, adult type. Last evaluated: 2023-02-23. Review status: criteria provided, single submitter. Criteria: ACMG Guidelines, 2015. Collection method: clinical testing. Allele origin: unknown. Affected: yes.
Comment: The variant is not observed in the gnomAD v2.1.1 dataset. Protein truncation variants are a common disease-causing mechanism. In silico tool predictions suggest damaging effect of the variant on gene or gene product (REVEL: 0.84; 3Cnet: 0.78). Same nucleotide change resulting in same amino acid change has been previously reported to be associated with PKD1 related disorder (ClinVar ID: VCV000448027 / PMID: 24611717). The variant has been observed in at least two similarly affected unrelated individuals (PMID: 31740684). A different missense change at the same codon (p.Thr3135Ala) has been reported to be associated with PKD1 related disorder (PMID: 27499327). Therefore, this variant is classified as Likely pathogenic according to the recommendation of ACMG/AMP guideline.

Blueprint Genetics
Classification: Likely pathogenic for PKD1-related disorders. Last evaluated: 2022-02-25. Review status: criteria provided, single submitter. Criteria: ACMG Guidelines, 2015. Collection method: clinical testing. Allele origin: germline. Affected: yes. Observed: 3 variant alleles.

Fulgent Genetics
Classification: Pathogenic for Polycystic kidney disease, adult type. Last evaluated: 2021-06-30. Review status: criteria provided, single submitter. Criteria: ACMG Guidelines, 2015. Collection method: clinical testing. Allele origin: unknown.
Comment: This variant has been detected in individual(s) who were sent for testing of Renasight - kidney gene panel.

Athena Diagnostics
Classification: Pathogenic. Last evaluated: 2021-02-24. Review status: criteria provided, single submitter. Criteria: Athena Diagnostics criteria. Collection method: clinical testing. Allele origin: unknown.
Comment: This variant has not been reported in large, multi-ethnic general populations. This variant has been identified in multiple unrelated individuals with clinical features associated with this gene. Computational tools predict that this variant is damaging.

Cavalleri Lab, Royal College of Surgeons in Ireland
Classification: Uncertain significance for Polycystic kidney disease, adult type. Last evaluated: 2020-02-05. Review status: criteria provided, single submitter. Criteria: ACMG Guidelines, 2015. Collection method: research. Allele origin: unknown. Inheritance: Autosomal dominant inheritance. Affected: yes.
Comment: PM2, PP3, PP4, PP5

Juno Genomics, Hangzhou Juno Genomics, Inc
Classification: Likely pathogenic for Polycystic kidney disease, adult type. Review status: criteria provided, single submitter. Criteria: ACMG Guidelines, 2015. Collection method: clinical testing. Allele origin: germline. Affected: yes.
Comment: Absent from controls (or at extremely low frequency if recessive) in Genome Aggregation Database, Exome Sequencing Project, 1000 Genomes Project, or Exome Aggregation Consortium.;Multiple lines of computational evidence support a deleterious effect on the gene or gene product (conservation, evolutionary, splicing impact, etc).;The prevalence of the variant in affected individuals is significantly increased compared to the prevalence in controls.;Patient's phenotype or family history is highly specific for a disease with a single genetic etiology.

Kasturba Medical College, Manipal, Kasturba Medical College, Manipal, Manipal Academy of Higher Education, Manipal, India
Classification: Likely pathogenic for Polycystic kidney disease, adult type. Review status: criteria provided, single submitter. Criteria: ACMG Guidelines, 2015. Collection method: research. Allele origin: germline. Inheritance: Autosomal dominant inheritance. Affected: yes. Observed: 1 heterozygote.
Comment: A known missense variant, c.9404C>T in exon 27 of PKD1 was identified in heterozygous state in the proband (Pandita et al., 2019). This variant is absent in heterozygous and/or homozygous state in gnomAD (v4.1.0) and our in-house database of 3567 exomes. In silico prediction tools (CADD_phred, Mutation taster) are consistent in predicting the variant to be damaging to PKD1 protein function. This variant has been reported in ClinVar by seven submitters as pathogenic/likely pathogenic/variant of uncertain significance (VCV000448027.10).

Department of Pathology and Laboratory Medicine, Sinai Health System
Classification: Uncertain significance for Polycystic Kidney disease. Review status: no assertion criteria provided. Collection method: clinical testing. Allele origin: unknown. Affected: yes. Study: The Canadian Open Genetics Repository (COGR). Not counted in ClinVar's aggregate classification.
Comment: The PKD1 p.Thr3135Met variant was identified in 2 of 396 proband chromosomes (frequency: 0.005) from individuals or families with ADPKD and was not identified in 100 control chromosomes from healthy individuals (Bataille 2011, Kurashige 2015). The variant was also identified in dbSNP (ID: rs1555449635), ClinVar (classified as likely pathogenic by Athena Diagnostics), LOVD 3.0 (1x as likely pathogenic), ADPKD Mutation Database (as likely pathogenic) and PKD1-LOVD. The variant was not identified in the Exome Aggregation Consortium (August 8th 2016), or the Genome Aggregation Database (Feb 27, 2017). The p.Thr3135 residue is conserved across mammals and other organisms, and computational analyses (PolyPhen-2, SIFT, AlignGVGD, BLOSUM, MutationTaster) suggest that the variant may impact the protein; however, this information is not predictive enough to assume pathogenicity. The variant occurs outside of the splicing consensus sequence and in silico or computational prediction software programs (SpliceSiteFinder, MaxEntScan, NNSPLICE, GeneSplicer) do not predict a difference in splicing. In summary, based on the above information the clinical significance of this variant cannot be determined with certainty at this time. This variant is classified as a variant of uncertain significance.

Literature cited by the submitters: PubMed 35778421 (cited by Women's Health and Genetics/Laboratory Corporation of America, LabCorp); PubMed 24611717 (cited by 4 submitters); PubMed 31740684 (cited by 4 submitters); PubMed 37078890 (cited by Women's Health and Genetics/Laboratory Corporation of America, LabCorp); PubMed 30816285 (cited by 3 submitters); PubMed 38527221 (cited by Women's Health and Genetics/Laboratory Corporation of America, LabCorp); PubMed 27499327 (cited by 3billion); PubMed 22008521 (cited by Athena Diagnostics).

NM_001009944.3(PKD1):c.9404C>T (p.Thr3135Met)

Gene: PKD1 (polycystin 1, transient receptor potential channel interacting; minus strand). Cytogenetic location: 16p13.3.
Variant type: single nucleotide variant.
Coding change: c.9404C>T on transcript NM_001009944.3 (MANE Select); coding-DNA position 9404, C replaced by T.
Protein change: p.Thr3135Met; replaces threonine 3135 with methionine.
Molecular consequence: missense variant.
Genome position (GRCh38, 1-based): chr16:2,100,560, G>A on the plus strand (C>T on the coding strand, the complement: PKD1 is on the minus strand). VCF-style: chr16-2100560-G-A. GRCh37 (hg19) VCF-style: chr16-2150561-G-A.
Other names: c.9404C>T, p.Thr3135Met (NM_000296.4); short protein forms T3135M.
Identifiers: ClinVar variation 448027 (VCV000448027.15), dbSNP rs1555449635, ClinGen allele CA394356683.